The following is an entry in ClinVar:

ClinVar aggregate classification (germline): Likely pathogenic (0 of 4 stars; one submission).

Conditions:
CREBBP-related disorder. Also called: CREBBP-related condition; CREBBP-related disorders.

Submission:

PreventionGenetics, part of Exact Sciences
Classification: Likely pathogenic for CREBBP-related condition. Last evaluated: 2024-03-28. Review status: no assertion criteria provided. Collection method: clinical testing. Allele origin: germline.
Comment: The CREBBP c.4391T>A variant is predicted to result in premature protein termination (p.Leu1464*). To our knowledge, this variant has not been reported in the literature or in a large population database, indicating this variant is rare. Nonsense variants in CREBBP are expected to be pathogenic. This variant is interpreted as likely pathogenic.

NM_004380.3(CREBBP):c.4391T>A (p.Leu1464Ter)

Gene: CREBBP (CREB binding lysine acetyltransferase; minus strand). Cytogenetic location: 16p13.3.
Variant type: single nucleotide variant.
Coding change: c.4391T>A on transcript NM_004380.3 (MANE Select); coding-DNA position 4391, T replaced by A.
Protein change: p.Leu1464Ter; replaces leucine 1464 with a stop codon.
Molecular consequence: nonsense.
Genome position (GRCh38, 1-based): chr16:3,738,562, A>T on the plus strand (T>A on the coding strand, the complement: CREBBP is on the minus strand). VCF-style: chr16-3738562-A-T. GRCh37 (hg19) VCF-style: chr16-3788563-A-T.
Other names: c.4277T>A, p.Leu1426Ter (NM_001079846.1); short protein forms L1426*, L1464*.
Identifiers: ClinVar variation 3345477 (VCV003345477.1).